The following is an entry in ClinVar:

ClinVar aggregate classification (germline): Uncertain significance. Review status: criteria provided, multiple submitters, no conflicts (2 of 4 stars). 2 submissions from 2 submitters: Uncertain significance (2). Last evaluated 2024-05-29.

Conditions:
Hereditary cancer-predisposing syndrome. Also called: Hereditary Cancer Syndrome; Tumor predisposition; Hereditary neoplastic syndrome; Neoplastic Syndromes, Hereditary. Identifiers: Orphanet 140162, MedGen C0027672, MeSH D009386, MONDO:0015356.
Fanconi anemia complementation group O. Also called: RAD51C-Related Fanconi Anemia. Identifiers: Orphanet 84, MedGen C3150653, MONDO:0013248, OMIM 613390.

Allele frequency attached by ClinVar (database versions not stated): gnomAD exomes below 0.00001; ExAC 0.00001.
gnomAD v4.1: 2 of 1,614,154 alleles (0.00012%); highest among the groups gnomAD compares: South Asian, 0.0011%; no homozygotes.

Submissions (2):

Ambry Genetics
Classification: Uncertain significance for Hereditary cancer-predisposing syndrome. Last evaluated: 2024-05-29. Review status: criteria provided, single submitter. Criteria: Ambry Variant Classification Scheme 2023. Collection method: clinical testing. Allele origin: germline.
Comment: The c.405-3C>T intronic variant results from a C to T substitution 3 nucleotides upstream from coding exon 3 in the RAD51C gene. This nucleotide position is well conserved in available vertebrate species. In silico splice site analysis for this alteration is inconclusive. Based on the available evidence, the clinical significance of this variant remains unclear.

Labcorp Genetics (formerly Invitae), Labcorp
Classification: Uncertain significance for Fanconi anemia complementation group O. Last evaluated: 2020-09-25. Review status: criteria provided, single submitter. Criteria: Invitae Variant Classification Sherloc (09022015). Collection method: clinical testing. Allele origin: germline.
Comment: This sequence change falls in intron 2 of the RAD51C gene. It does not directly change the encoded amino acid sequence of the RAD51C protein, but it affects a nucleotide within the consensus splice site of the intron. This variant is present in population databases (rs770815835, ExAC 0.01%). This variant has not been reported in the literature in individuals with RAD51C-related conditions. Nucleotide substitutions within the consensus splice site are a relatively common cause of aberrant splicing (PMID: 17576681, 9536098). Algorithms developed to predict the effect of sequence changes on RNA splicing suggest that this variant is not likely to affect RNA splicing, but this prediction has not been confirmed by published transcriptional studies. In summary, the available evidence is currently insufficient to determine the role of this variant in disease. Therefore, it has been classified as a Variant of Uncertain Significance.

Literature cited by the submitters: PubMed 17576681 (cited by Labcorp Genetics (formerly Invitae), Labcorp); PubMed 9536098 (cited by Labcorp Genetics (formerly Invitae), Labcorp).

NM_058216.3(RAD51C):c.405-3C>T

Gene: RAD51C (RAD51 paralog C; plus strand). Cytogenetic location: 17q22.
Variant type: single nucleotide variant.
Coding change: c.405-3C>T on transcript NM_058216.3 (MANE Select); 3 bases into the intron before coding-DNA position 405, C replaced by T.
Molecular consequence: intron variant.
Genome position (GRCh38, 1-based): chr17:58,696,690, C>T. VCF-style: chr17-58696690-C-T. GRCh37 (hg19) VCF-style: chr17-56774051-C-T.
Other names: c.405-3C>T (NM_058216.1).
Identifiers: ClinVar variation 1051812 (VCV001051812.8), dbSNP rs770815835, ClinGen allele CA8677225.
Genomic context (GRCh38, chr17:58,696,690, plus strand): 5'-GTTCAAAAACACTACCTTAGATCATCATCATGATTTGGTTGTTTGTCATCTTTCTGTTGA[C>T]AGTATGCAGTTGGCAGTAGATGTGCAGATACCAGAATGTTTTGGAGGAGTGGCAGGTGAA-3'